The following is an entry in ClinVar:

NM_001356.5(DDX3X):c.943C>T (p.Arg315Cys)

Gene: DDX3X (DEAD-box helicase 3 X-linked; plus strand). Cytogenetic location: Xp11.4.
Variant type: single nucleotide variant.
Coding change: c.943C>T on transcript NM_001356.5 (MANE Select); coding-DNA position 943, C replaced by T.
Protein change: p.Arg315Cys; replaces arginine 315 with cysteine.
Molecular consequence: missense variant. On other transcripts: non-coding transcript variant (1).
Genome position (GRCh38, 1-based): chrX:41,344,317, C>T. VCF-style: chrX-41344317-C-T. GRCh37 (hg19) VCF-style: chrX-41203570-C-T.
Other names: c.943C>T, p.Arg315Cys (NM_001193416.3); c.895C>T, p.Arg299Cys (NM_001193417.3); c.385C>T, p.Arg129Cys (NM_001363819.1); short protein forms R315C, R129C, R299C.
Identifiers: ClinVar variation 2780467 (VCV002780467.3), dbSNP rs2063892728, ClinGen allele CA412770995.

ClinVar aggregate classification (germline): Uncertain significance (1 of 4 stars; one submission).

Allele frequency attached by ClinVar (database versions not stated): TOPMed 0.00001.

Submission:

Labcorp Genetics (formerly Invitae), Labcorp
Classification: Uncertain significance. Last evaluated: 2022-12-16. Review status: criteria provided, single submitter. Criteria: Invitae Variant Classification Sherloc (09022015). Collection method: clinical testing. Allele origin: germline.
Comment: In summary, the available evidence is currently insufficient to determine the role of this variant in disease. Therefore, it has been classified as a Variant of Uncertain Significance. Algorithms developed to predict the effect of missense changes on protein structure and function are either unavailable or do not agree on the potential impact of this missense change (SIFT: "Deleterious"; PolyPhen-2: "Not Available"; Align-GVGD: "Class C15"). This variant has not been reported in the literature in individuals affected with DDX3X-related conditions. This variant is not present in population databases (gnomAD no frequency). This sequence change replaces arginine, which is basic and polar, with cysteine, which is neutral and slightly polar, at codon 315 of the DDX3X protein (p.Arg315Cys).